The following is an entry in ClinVar:

ClinVar aggregate classification (germline): Uncertain significance (1 of 4 stars; one submission).

Submission:

Labcorp Genetics (formerly Invitae), Labcorp
Classification: Uncertain significance. Last evaluated: 2025-11-06. Review status: criteria provided, single submitter. Criteria: Invitae Variant Classification Sherloc (09022015). Collection method: clinical testing. Allele origin: germline.
Comment: This sequence change replaces proline, which is neutral and non-polar, with arginine, which is basic and polar, at codon 32 of the IFITM5 protein (p.Pro32Arg). This variant is present in population databases (no rsID available, gnomAD 0.01%). This missense change has been observed in individual(s) with clinical features of osteogenesis imperfecta (internal data). ClinVar contains an entry for this variant (Variation ID: 1413031). An algorithm developed to predict the effect of missense changes on protein structure and function (PolyPhen-2) suggests that this variant is likely to be disruptive. In summary, the available evidence is currently insufficient to determine the role of this variant in disease. Therefore, it has been classified as a Variant of Uncertain Significance.

NM_001025295.3(IFITM5):c.95C>G (p.Pro32Arg)

Gene: IFITM5 (interferon induced transmembrane protein 5; minus strand). Cytogenetic location: 11p15.5.
Variant type: single nucleotide variant.
Coding change: c.95C>G on transcript NM_001025295.3 (MANE Select); coding-DNA position 95, C replaced by G.
Protein change: p.Pro32Arg; replaces proline 32 with arginine.
Molecular consequence: missense variant.
Genome position (GRCh38, 1-based): chr11:299,396, G>C on the plus strand (C>G on the coding strand, the complement: IFITM5 is on the minus strand). VCF-style: chr11-299396-G-C. GRCh37 (hg19) VCF-style: chr11-299396-G-C.
Other names: short protein forms P32R.
Identifiers: ClinVar variation 1413031 (VCV001413031.8), dbSNP rs142041432, ClinGen allele CA378890908.